The following is an entry in ClinVar:

NM_006329.4(FBLN5):c.314C>A (p.Pro105His)

Gene: FBLN5 (fibulin 5; minus strand). Cytogenetic location: 14q32.12.
Variant type: single nucleotide variant.
Coding change: c.314C>A on transcript NM_006329.4 (MANE Select); coding-DNA position 314, C replaced by A.
Protein change: p.Pro105His; replaces proline 105 with histidine.
Molecular consequence: missense variant.
Genome position (GRCh38, 1-based): chr14:91,937,012, G>T on the plus strand (C>A on the coding strand, the complement: FBLN5 is on the minus strand). VCF-style: chr14-91937012-G-T. GRCh37 (hg19) VCF-style: chr14-92403356-G-T.
Other names: c.437C>A, p.Pro146His (NM_001384158.1); c.365C>A, p.Pro122His (NM_001384159.1); c.314C>A, p.Pro105His (NM_001384160.1); c.146C>A, p.Pro49His (NM_001384161.1, NM_001384162.1); short protein forms P105H, P49H, P122H, P146H.
Identifiers: ClinVar variation 2057958 (VCV002057958.5), dbSNP rs750213048, ClinGen allele CA7312879.

ClinVar aggregate classification (germline): Uncertain significance. Review status: criteria provided, multiple submitters, no conflicts (2 of 4 stars). 2 submissions from 2 submitters: Uncertain significance (2). Last evaluated 2025-03-31.

gnomAD v4.1: 2 of 1,614,164 alleles (0.00012%); highest among the groups gnomAD compares: Non-Finnish European, 0.000085%; no homozygotes.

Submissions (2):

Labcorp Genetics (formerly Invitae), Labcorp
Classification: Uncertain significance. Last evaluated: 2025-03-31. Review status: criteria provided, single submitter. Criteria: Invitae Variant Classification Sherloc (09022015). Collection method: clinical testing. Allele origin: germline.
Comment: This sequence change replaces proline, which is neutral and non-polar, with histidine, which is basic and polar, at codon 105 of the FBLN5 protein (p.Pro105His). This variant is present in population databases (rs750213048, gnomAD no frequency). This variant has not been reported in the literature in individuals affected with FBLN5-related conditions. ClinVar contains an entry for this variant (Variation ID: 2057958). An algorithm developed to predict the effect of missense changes on protein structure and function (PolyPhen-2) suggests that this variant is likely to be disruptive. In summary, the available evidence is currently insufficient to determine the role of this variant in disease. Therefore, it has been classified as a Variant of Uncertain Significance.

GeneDx
Classification: Uncertain significance. Last evaluated: 2024-05-15. Review status: criteria provided, single submitter. Criteria: GeneDx Variant Classification Process June 2021. Collection method: clinical testing. Allele origin: germline. Affected: yes.
Comment: Not observed at significant frequency in large population cohorts (gnomAD); In silico analysis indicates that this missense variant does not alter protein structure/function; Has not been previously published as pathogenic or benign to our knowledge